The following is an entry in ClinVar:

ClinVar aggregate classification (germline): Uncertain significance (1 of 4 stars; one submission).

Submission:

Labcorp Genetics (formerly Invitae), Labcorp
Classification: Uncertain significance. Last evaluated: 2020-03-10. Review status: criteria provided, single submitter. Criteria: Invitae Variant Classification Sherloc (09022015). Collection method: clinical testing. Allele origin: germline.
Comment: In summary, the available evidence is currently insufficient to determine the role of this variant in disease. Therefore, it has been classified as a Variant of Uncertain Significance. The current clinical and genetic evidence is not sufficient to establish whether loss-of-function variants in CLCC1 cause disease. This variant has not been reported in the literature in individuals with CLCC1-related conditions. This variant is present in population databases (rs781268026, ExAC 0.02%). This sequence change creates a premature translational stop signal (p.Asp176Phefs*8) in the CLCC1 gene. It is expected to result in an absent or disrupted protein product.

NM_001377458.1(CLCC1):c.526_527del (p.Asp176fs)

Gene: CLCC1 (chloride channel CLIC like 1; minus strand). Cytogenetic location: 1p13.3.
Variant type: Deletion.
Coding change: c.526_527del on transcript NM_001377458.1 (MANE Select); coding-DNA positions 526 to 527, 2 bases deleted (GA; older notation c.526_527delGA).
Protein change: p.Asp176fs; shifts the reading frame from aspartic acid 176.
Molecular consequence: frameshift variant. On other transcripts: non-coding transcript variant (1), intron variant (2).
Genome position (GRCh38, 1-based): chr1:108,943,870-108,943,871, TC deleted on the plus strand (GA on the coding strand, the reverse complement: CLCC1 is on the minus strand); deleting any 2 consecutive bases within chr1:108,943,870-108,943,872 gives the same sequence; the c. name uses the placement nearest the transcript's 3' end. VCF-style (leftmost placement, unchanged base first): chr1-108943869-ATC-A. GRCh37 (hg19) VCF-style: chr1-109486491-ATC-A.
Other names: c.526_527del, p.Asp176fs (NM_001048210.3, NM_001377459.1, NM_001377460.1 and 8 more transcripts); c.424_425del, p.Asp142fs (NM_001377469.1); c.235_236del, p.Asp79fs (NM_001377470.1); c.376_377del, p.Asp126fs (NM_015127.5); c.340-2373_340-2372del (NM_001278202.2); c.339+3740_339+3741del (NM_001278203.1); short protein forms D126fs, D79fs, D142fs, D176fs.
Identifiers: ClinVar variation 1039372 (VCV001039372.5), dbSNP rs781268026, ClinGen allele CA983582.